The following is an entry in ClinVar:

ClinVar aggregate classification (germline): Uncertain significance. Review status: criteria provided, multiple submitters, no conflicts (2 of 4 stars). 2 submissions from 2 submitters: Uncertain significance (2). Last evaluated 2025-04-13.

Conditions:
Hereditary cancer-predisposing syndrome. Also called: Hereditary Cancer Syndrome; Hereditary neoplastic syndrome; Neoplastic Syndromes, Hereditary; Tumor predisposition. Identifiers: Orphanet 140162, MedGen C0027672, MeSH D009386, MONDO:0015356.
Bloom syndrome (BLM). Also called: Bloom-Torre-Machacek syndrome. Identifiers: Orphanet 125, MedGen C0005859, MONDO:0008876, OMIM 210900.

Submissions (2):

Ambry Genetics
Classification: Uncertain significance for Hereditary cancer-predisposing syndrome. Last evaluated: 2025-04-13. Review status: criteria provided, single submitter. Criteria: Ambry Variant Classification Scheme 2023. Collection method: clinical testing. Allele origin: germline.
Comment: The p.S987F variant (also known as c.2960C>T), located in coding exon 14 of the BLM gene, results from a C to T substitution at nucleotide position 2960. The serine at codon 987 is replaced by phenylalanine, an amino acid with highly dissimilar properties. This amino acid position is well conserved in available vertebrate species. In addition, this alteration is predicted to be deleterious by in silico analysis. Since supporting evidence is limited at this time, the clinical significance of this alteration remains unclear.

Labcorp Genetics (formerly Invitae), Labcorp
Classification: Uncertain significance for Bloom syndrome. Last evaluated: 2024-09-28. Review status: criteria provided, single submitter. Criteria: Invitae Variant Classification Sherloc (09022015). Collection method: clinical testing. Allele origin: germline.
Comment: This sequence change replaces serine, which is neutral and polar, with phenylalanine, which is neutral and non-polar, at codon 987 of the BLM protein (p.Ser987Phe). This variant is not present in population databases (gnomAD no frequency). This variant has not been reported in the literature in individuals affected with BLM-related conditions. ClinVar contains an entry for this variant (Variation ID: 454123). Invitae Evidence Modeling of protein sequence and biophysical properties (such as structural, functional, and spatial information, amino acid conservation, physicochemical variation, residue mobility, and thermodynamic stability) indicates that this missense variant is expected to disrupt BLM protein function with a positive predictive value of 80%. In summary, the available evidence is currently insufficient to determine the role of this variant in disease. Therefore, it has been classified as a Variant of Uncertain Significance.

NM_000057.4(BLM):c.2960C>T (p.Ser987Phe)

Gene: BLM (BLM RecQ like helicase; plus strand). Cytogenetic location: 15q26.1.
Variant type: single nucleotide variant.
Coding change: c.2960C>T on transcript NM_000057.4 (MANE Select); coding-DNA position 2960, C replaced by T.
Protein change: p.Ser987Phe; replaces serine 987 with phenylalanine.
Molecular consequence: missense variant.
Genome position (GRCh38, 1-based): chr15:90,790,785, C>T. VCF-style: chr15-90790785-C-T. GRCh37 (hg19) VCF-style: chr15-91334015-C-T.
Other names: c.2960C>T, p.Ser987Phe (NM_001287246.2, NM_001287247.2); c.1835C>T, p.Ser612Phe (NM_001287248.2); c.2960C>T (NM_000057.2); short protein forms S987F, S612F.
Identifiers: ClinVar variation 454123 (VCV000454123.10), dbSNP rs1555423111, ClinGen allele CA393846503.
Genomic context (GRCh38, chr15:90,790,785, plus strand): 5'-CTAAATCTGTGGAGGGTTACTACCAAGAATCTGGCAGAGCTGGAAGAGATGGGGAAATAT[C>T]TCACTGCCTGCTTTTCTATACCTATCATGATGTGACCAGACTGAAAAGACTTATAATGAG-3'
Protein context (NP_000048.1, residues 977-997): SGRAGRDGEI[Ser987Phe]HCLLFYTYHD